The following is an entry in ClinVar:

ClinVar aggregate classification (germline): Uncertain significance (1 of 4 stars; one submission).

Conditions:
PMM2-congenital disorder of glycosylation. Also called: CARBOHYDRATE-DEFICIENT GLYCOPROTEIN SYNDROME, TYPE Ia; CDG Ia; JAEKEN SYNDROME; PMM2-CDG; Congenital disorder of glycosylation, type Ia; PHOSPHOMANNOMUTASE 2 DEFICIENCY. Identifiers: Orphanet 79318, MedGen C0349653, MONDO:0008907, OMIM 212065.

Submission:

Labcorp Genetics (formerly Invitae), Labcorp
Classification: Uncertain significance for PMM2-congenital disorder of glycosylation. Last evaluated: 2022-01-16. Review status: criteria provided, single submitter. Criteria: Invitae Variant Classification Sherloc (09022015). Collection method: clinical testing. Allele origin: germline.
Comment: This sequence change replaces alanine, which is neutral and non-polar, with proline, which is neutral and non-polar, at codon 75 of the PMM2 protein (p.Ala75Pro). This variant is not present in population databases (gnomAD no frequency). This variant has not been reported in the literature in individuals affected with PMM2-related conditions. Algorithms developed to predict the effect of missense changes on protein structure and function are either unavailable or do not agree on the potential impact of this missense change (SIFT: "Deleterious"; PolyPhen-2: "Probably Damaging"; Align-GVGD: "Class C0"). In summary, the available evidence is currently insufficient to determine the role of this variant in disease. Therefore, it has been classified as a Variant of Uncertain Significance.

NM_000303.3(PMM2):c.223G>C (p.Ala75Pro)

Gene: PMM2 (phosphomannomutase 2; plus strand). Cytogenetic location: 16p13.2.
Variant type: single nucleotide variant.
Coding change: c.223G>C on transcript NM_000303.3 (MANE Select); coding-DNA position 223, G replaced by C.
Protein change: p.Ala75Pro; replaces alanine 75 with proline.
Molecular consequence: missense variant.
Genome position (GRCh38, 1-based): chr16:8,804,811, G>C. VCF-style: chr16-8804811-G-C. GRCh37 (hg19) VCF-style: chr16-8898668-G-C.
Other names: short protein forms A75P.
Identifiers: ClinVar variation 1975447 (VCV001975447.2), dbSNP rs2549144485, ClinGen allele CA394695926.
Genomic context (GRCh38, chr16:8,804,811, plus strand): 5'-TTGGTTTTGATTGTAGTGGTTGAAAAATACGATTATGTGTTTCCAGAAAATGGCTTGGTA[G>C]CATACAAAGATGGGAAACTCTTGTGTAGACAGGTAGGTTCTTGAGTATCTGAATTACTAT-3'
Protein context (NP_000294.1, residues 65-85): DYVFPENGLV[Ala75Pro]YKDGKLLCRQ